The following is an entry in ClinVar:

NM_004104.5(FASN):c.2578G>A (p.Ala860Thr)

Gene: FASN (fatty acid synthase; minus strand). Cytogenetic location: 17q25.3.
Variant type: single nucleotide variant.
Coding change: c.2578G>A on transcript NM_004104.5 (MANE Select); coding-DNA position 2578, G replaced by A.
Protein change: p.Ala860Thr; replaces alanine 860 with threonine.
Molecular consequence: missense variant.
Genome position (GRCh38, 1-based): chr17:82,088,405, C>T on the plus strand (G>A on the coding strand, the complement: FASN is on the minus strand). VCF-style: chr17-82088405-C-T. GRCh37 (hg19) VCF-style: chr17-80046281-C-T.
Other names: short protein forms A860T.
Identifiers: ClinVar variation 2079747 (VCV002079747.4), dbSNP rs758271500, ClinGen allele CA8852742.
Genomic context (GRCh38, chr17:82,088,405, plus strand): 5'-CTGTGGGGAGGGAAGAGTCTGCCCACCCGCCGGGCCCCTGCTCACCGATGTTGTAGATGG[C>T]GGCTGAGGGGGAACCTGAACCGTTGGGGAAGTCCTCGGCGGCCGGCACGTCCCAGGCCAG-3'
Protein context (NP_004095.4, residues 850-870): FPNGSGSPSA[Ala860Thr]IYNIDTSSES

ClinVar aggregate classification (germline): Uncertain significance (1 of 4 stars; one submission).

Conditions:
Epileptic encephalopathy. Identifiers: MedGen C0543888, HP:0200134.

Allele frequency attached by ClinVar (database versions not stated): ExAC 0.00001; gnomAD 0.00001; gnomAD exomes 0.00002; TOPMed 0.00002.
gnomAD v4.1: 31 of 1,612,020 alleles (0.0019%); highest among the groups gnomAD compares: South Asian, 0.0044%; no homozygotes.

Submission:

Labcorp Genetics (formerly Invitae), Labcorp
Classification: Uncertain significance for Epileptic encephalopathy. Last evaluated: 2025-08-30. Review status: criteria provided, single submitter. Criteria: Invitae Variant Classification Sherloc (09022015). Collection method: clinical testing. Allele origin: germline.
Comment: This sequence change replaces alanine, which is neutral and non-polar, with threonine, which is neutral and polar, at codon 860 of the FASN protein (p.Ala860Thr). This variant is present in population databases (rs758271500, gnomAD 0.003%). This variant has not been reported in the literature in individuals affected with FASN-related conditions. ClinVar contains an entry for this variant (Variation ID: 2079747). An algorithm developed to predict the effect of missense changes on protein structure and function outputs the following: PolyPhen-2: "Benign". The threonine amino acid residue is found in multiple mammalian species, which suggests that this missense change does not adversely affect protein function. In summary, the available evidence is currently insufficient to determine the role of this variant in disease. Therefore, it has been classified as a Variant of Uncertain Significance.